The following is an entry in ClinVar:

ClinVar aggregate classification (germline): Conflicting classifications of pathogenicity. Review status: criteria provided, conflicting classifications (1 of 4 stars). 3 submissions from 3 submitters: Uncertain significance (1); Likely benign (2). Last evaluated 2026-04-24.

Conditions:
ABCB11-related disorder. Also called: ABCB11-related condition.
Progressive familial intrahepatic cholestasis type 2. Identifiers: Orphanet 79304, MedGen C3489789, MONDO:0011156, OMIM 601847.

Allele frequency attached by ClinVar (database versions not stated): TOPMed 0.00002.
gnomAD v4.1: 28 of 1,612,312 alleles (0.0017%); highest among the groups gnomAD compares: Non-Finnish European, 0.0021%; no homozygotes.

Submissions (3):

PreventionGenetics, part of Exact Sciences
Classification: Likely benign for ABCB11-related condition. Last evaluated: 2026-04-24. Review status: criteria provided, single submitter. Criteria: ACMG Guidelines, 2015. Collection method: clinical testing. Allele origin: germline.
Comment: This variant is classified as likely benign based on ACMG/AMP sequence variant interpretation guidelines (Richards et al. 2015 PMID: 25741868, with internal and published modifications).

Labcorp Genetics (formerly Invitae), Labcorp
Classification: Likely benign. Last evaluated: 2023-10-30. Review status: criteria provided, single submitter. Criteria: Invitae Variant Classification Sherloc (09022015). Collection method: clinical testing. Allele origin: germline.

Illumina Laboratory Services, Illumina
Classification: Uncertain significance for Progressive familial intrahepatic cholestasis type 2. Last evaluated: 2018-01-12. Review status: criteria provided, single submitter. Criteria: ICSL Variant Classification Criteria 13 December 2019. Collection method: clinical testing. Allele origin: germline.

NM_003742.4(ABCB11):c.585G>A (p.Val195=)

Gene: ABCB11 (ATP binding cassette subfamily B member 11; minus strand). Cytogenetic location: 2q31.1.
Variant type: single nucleotide variant.
Coding change: c.585G>A on transcript NM_003742.4 (MANE Select); coding-DNA position 585, G replaced by A.
Protein change: p.Val195=; no amino-acid change (valine 195 retained).
Molecular consequence: synonymous variant.
Genome position (GRCh38, 1-based): chr2:168,995,375, C>T on the plus strand (G>A on the coding strand, the complement: ABCB11 is on the minus strand). VCF-style: chr2-168995375-C-T. GRCh37 (hg19) VCF-style: chr2-169851885-C-T.
Identifiers: ClinVar variation 894544 (VCV000894544.14), dbSNP rs11568365, ClinGen allele CA59898046.